The following is an entry in ClinVar:

ClinVar aggregate classification (germline): no classifications from unflagged records (0 of 4 stars; one submission).

Allele frequency attached by ClinVar (database versions not stated): gnomAD 0.00001.
gnomAD v4.1: 14 of 1,584,252 alleles (0.00088%); highest among the groups gnomAD compares: Non-Finnish European, 0.0012%; no homozygotes.

Submission:

AiLife Diagnostics
Classification: Likely pathogenic. Last evaluated: 2022-01-31. Review status: flagged submission. Criteria: ACMG Guidelines, 2015. Collection method: clinical testing. Allele origin: germline. Affected: yes. Observed: 2 variant alleles.
ClinVar note: Notes: This variant occurs in exons 9-41 of the MANE Select NM_006073.4 transcript but no valid P/LP variants have been reported due to the predominant transcript in cardiac tissue being one with only 8 exons (NM_001256021.1). Please provide evidence to support this claim.
ClinVar note: Reason: Claim with insufficient supporting evidence

NM_006073.4(TRDN):c.1106-1G>T

Gene: TRDN (triadin; minus strand). Cytogenetic location: 6q22.31.
Variant type: single nucleotide variant.
Coding change: c.1106-1G>T on transcript NM_006073.4 (MANE Select); the canonical splice acceptor site of the intron before coding-DNA position 1106, G replaced by T.
Molecular consequence: splice acceptor variant.
Genome position (GRCh38, 1-based): chr6:123,388,552, C>A on the plus strand (G>T on the coding strand, the complement: TRDN is on the minus strand). VCF-style: chr6-123388552-C-A. GRCh37 (hg19) VCF-style: chr6-123709697-C-A.
Other names: c.1049-1G>T (NM_001407315.1); c.1109-1G>T (NM_001251987.2).
Identifiers: ClinVar variation 1677622 (VCV001677622.1), dbSNP rs969164356, ClinGen allele CA147258625.